The following is an entry in ClinVar:

ClinVar aggregate classification (germline): Uncertain significance. Review status: criteria provided, multiple submitters, no conflicts (2 of 4 stars). 2 submissions from 2 submitters: Uncertain significance (2). Last evaluated 2025-07-09.

Conditions:
Inborn genetic diseases. Identifiers: MedGen C0950123, MeSH D030342.

Allele frequency attached by ClinVar (database versions not stated): ExAC 0.00001; gnomAD 0.00001; gnomAD exomes 0.00002; TOPMed 0.00003.

Submissions (2):

Ambry Genetics
Classification: Uncertain significance for Inborn genetic diseases. Last evaluated: 2025-07-09. Review status: criteria provided, single submitter. Criteria: Ambry Variant Classification Scheme 2023. Collection method: clinical testing. Allele origin: germline.

Labcorp Genetics (formerly Invitae), Labcorp
Classification: Uncertain significance. Last evaluated: 2022-07-15. Review status: criteria provided, single submitter. Criteria: Invitae Variant Classification Sherloc (09022015). Collection method: clinical testing. Allele origin: germline.
Comment: This sequence change replaces arginine, which is basic and polar, with tryptophan, which is neutral and slightly polar, at codon 547 of the KIAA0753 protein (p.Arg547Trp). The frequency data for this variant in the population databases is considered unreliable, as metrics indicate poor data quality at this position in the gnomAD database. This variant has not been reported in the literature in individuals affected with KIAA0753-related conditions. Algorithms developed to predict the effect of missense changes on protein structure and function (SIFT, PolyPhen-2, Align-GVGD) all suggest that this variant is likely to be disruptive. In summary, the available evidence is currently insufficient to determine the role of this variant in disease. Therefore, it has been classified as a Variant of Uncertain Significance.

NM_014804.3(KIAA0753):c.1639C>T (p.Arg547Trp)

Gene: KIAA0753 (KIAA0753; minus strand). Cytogenetic location: 17p13.1.
Variant type: single nucleotide variant.
Coding change: c.1639C>T on transcript NM_014804.3 (MANE Select); coding-DNA position 1639, C replaced by T.
Protein change: p.Arg547Trp; replaces arginine 547 with tryptophan.
Molecular consequence: missense variant. On other transcripts: non-coding transcript variant (3).
Genome position (GRCh38, 1-based): chr17:6,610,067, G>A on the plus strand (C>T on the coding strand, the complement: KIAA0753 is on the minus strand). VCF-style: chr17-6610067-G-A. GRCh37 (hg19) VCF-style: chr17-6513387-G-A.
Other names: c.742C>T, p.Arg248Trp (NM_001351225.2); c.1639C>T (NM_014804.2); short protein forms R248W, R547W.
Identifiers: ClinVar variation 2068587 (VCV002068587.2), dbSNP rs770418447, ClinGen allele CA8330423.